The following is an entry in ClinVar:

NM_024675.4(PALB2):c.1684+2T>A

Gene: PALB2 (partner and localizer of BRCA2; minus strand). Cytogenetic location: 16p12.2.
Variant type: single nucleotide variant.
Coding change: c.1684+2T>A on transcript NM_024675.4 (MANE Select); the canonical splice donor site of the intron after coding-DNA position 1684, T replaced by A.
Molecular consequence: splice donor variant. On other transcripts: intron variant (3).
Genome position (GRCh38, 1-based): chr16:23,634,860, A>T on the plus strand (T>A on the coding strand, the complement: PALB2 is on the minus strand). VCF-style: chr16-23634860-A-T. GRCh37 (hg19) VCF-style: chr16-23646181-A-T.
Other names: c.799+2T>A (NM_001407308.1, NM_001407306.1, NM_001407307.1 and 5 more transcripts); c.49-5585T>A (NM_001407314.1); c.-104-4391T>A (NM_001407313.1, NM_001407312.1); c.1624+2T>A (NM_001407296.1); c.1684+2T>A (NM_001407297.1, NM_001407302.1, NM_001407298.1 and 4 more transcripts).
Identifiers: ClinVar variation 2043593 (VCV002043593.7), dbSNP rs2142409238, ClinGen allele CA395129858.
Genomic context (GRCh38, chr16:23,634,860, plus strand): 5'-GCAAATAGTAATTGTTAACTTTCATCATCATCATCATCATCATCAAACACATCTTGATTT[A>T]CCTTTCACTTGAATAAATAATTTTTCGTGCTGATATTTGTGTGAGGTGACTTCTTCCTTG-3'

ClinVar aggregate classification (germline): Conflicting classifications of pathogenicity. Review status: criteria provided, conflicting classifications (1 of 4 stars). 2 submissions from 2 submitters: Likely pathogenic (1); Uncertain significance (1). Last evaluated 2025-10-23.

Conditions:
Hereditary cancer-predisposing syndrome. Also called: Neoplastic Syndromes, Hereditary; Hereditary Cancer Syndrome; Hereditary neoplastic syndrome; Tumor predisposition. Identifiers: Orphanet 140162, MedGen C0027672, MeSH D009386, MONDO:0015356.
Familial cancer of breast. Also called: hereditary breast carcinoma; Hereditary breast cancer; BREAST CANCER, FAMILIAL. Identifiers: Orphanet 227535, MedGen C0346153, MONDO:0016419, OMIM 114480. Disease mechanism: loss of function.

Submissions (2):

Labcorp Genetics (formerly Invitae), Labcorp
Classification: Likely pathogenic for Familial cancer of breast. Last evaluated: 2025-10-23. Review status: criteria provided, single submitter. Criteria: Invitae Variant Classification Sherloc (09022015). Collection method: clinical testing. Allele origin: germline.
Comment: This sequence change affects a donor splice site in intron 4 of the PALB2 gene. It is expected to disrupt RNA splicing. Variants that disrupt the donor or acceptor splice site typically lead to a loss of protein function (PMID: 16199547), and loss-of-function variants in PALB2 are known to be pathogenic (PMID: 17200668, 17200671, 17200672, 24136930, 25099575). This variant is not present in population databases (gnomAD no frequency). This variant has not been reported in the literature in individuals affected with PALB2-related conditions. ClinVar contains an entry for this variant (Variation ID: 2043593). Algorithms developed to predict the effect of sequence changes on RNA splicing suggest that this variant may disrupt the consensus splice site. In summary, the currently available evidence indicates that the variant is pathogenic, but additional data are needed to prove that conclusively. Therefore, this variant has been classified as Likely Pathogenic.

Ambry Genetics
Classification: Uncertain significance for Hereditary cancer-predisposing syndrome. Last evaluated: 2024-08-26. Review status: criteria provided, single submitter. Criteria: Ambry Variant Classification Scheme 2023. Collection method: clinical testing. Allele origin: germline.
Comment: The c.1684+2T>A intronic variant results from a T to A substitution two nucleotides after coding exon 4 in the PALB2 gene. This nucleotide position is well conserved in available vertebrate species. In silico splice site analysis predicts that this alteration will weaken the native splice donor site. The resulting transcript is predicted to be in-frame and is not expected to trigger nonsense-mediated mRNA decay; however, direct evidence is insufficient at this time (Ambry internal data). Since supporting evidence is limited at this time, the clinical significance of this alteration remains unclear.

Literature cited by the submitters: PubMed 16199547 (cited by Labcorp Genetics (formerly Invitae), Labcorp); PubMed 17200668 (cited by Labcorp Genetics (formerly Invitae), Labcorp); PubMed 17200671 (cited by Labcorp Genetics (formerly Invitae), Labcorp); PubMed 17200672 (cited by Labcorp Genetics (formerly Invitae), Labcorp); PubMed 24136930 (cited by Labcorp Genetics (formerly Invitae), Labcorp); PubMed 25099575 (cited by Labcorp Genetics (formerly Invitae), Labcorp).